The following is an entry in ClinVar:

ClinVar aggregate classification (germline): Uncertain significance (1 of 4 stars; one submission).

Conditions:
Noonan syndrome 9 (NS9). Identifiers: Orphanet 648, MedGen C4225282, MONDO:0014691, OMIM 616559.

Allele frequency attached by ClinVar (database versions not stated): gnomAD exomes below 0.00001; gnomAD 0.00001.
gnomAD v4.1: 6 of 1,569,968 alleles (0.00038%); highest among the groups gnomAD compares: South Asian, 0.0045%; no homozygotes.

Submission:

Labcorp Genetics (formerly Invitae), Labcorp
Classification: Uncertain significance for Noonan syndrome 9. Last evaluated: 2021-03-22. Review status: criteria provided, single submitter. Criteria: Invitae Variant Classification Sherloc (09022015). Collection method: clinical testing. Allele origin: germline.
Comment: Algorithms developed to predict the effect of missense changes on protein structure and function are either unavailable or do not agree on the potential impact of this missense change (SIFT: "Deleterious"; PolyPhen-2: "Benign"; Align-GVGD: "Class C0"). This variant has not been reported in the literature in individuals with SOS2-related conditions. This variant is not present in population databases (ExAC no frequency). This sequence change replaces cysteine with tyrosine at codon 1019 of the SOS2 protein (p.Cys1019Tyr). The cysteine residue is highly conserved and there is a large physicochemical difference between cysteine and tyrosine. In summary, the available evidence is currently insufficient to determine the role of this variant in disease. Therefore, it has been classified as a Variant of Uncertain Significance.

NM_006939.4(SOS2):c.3056G>A (p.Cys1019Tyr)

Gene: SOS2 (SOS Ras/Rho guanine nucleotide exchange factor 2; minus strand). Cytogenetic location: 14q21.3.
Variant type: single nucleotide variant.
Coding change: c.3056G>A on transcript NM_006939.4 (MANE Select); coding-DNA position 3056, G replaced by A.
Protein change: p.Cys1019Tyr; replaces cysteine 1019 with tyrosine.
Molecular consequence: missense variant.
Genome position (GRCh38, 1-based): chr14:50,134,142, C>T on the plus strand (G>A on the coding strand, the complement: SOS2 is on the minus strand). VCF-style: chr14-50134142-C-T. GRCh37 (hg19) VCF-style: chr14-50600860-C-T.
Other names: short protein forms C1019Y.
Identifiers: ClinVar variation 1423579 (VCV001423579.8), dbSNP rs1883997609, ClinGen allele CA389641556.